The following is an entry in ClinVar:

NM_001035.3(RYR2):c.942_944del (p.Leu316del)

Gene: RYR2 (ryanodine receptor 2; plus strand). Cytogenetic location: 1q43.
Variant type: Deletion.
Coding change: c.942_944del on transcript NM_001035.3 (MANE Select); coding-DNA positions 942 to 944, 3 bases deleted (TCT; older notation c.942_944delTCT).
Protein change: p.Leu316del; deletes leucine 316.
Molecular consequence: inframe deletion.
Genome position (GRCh38, 1-based): chr1:237,423,185-237,423,187, TCT deleted; deleting any 3 consecutive bases within chr1:237,423,183-237,423,187 gives the same sequence; the c. name uses the placement nearest the transcript's 3' end. VCF-style (leftmost placement, unchanged base first): chr1-237423182-CCTT-C. GRCh37 (hg19) VCF-style: chr1-237586482-CCTT-C.
Other names: c.942_944delTCT (NM_001035.2); short protein forms L316del.
Identifiers: ClinVar variation 927414 (VCV000927414.12), dbSNP rs749937926, ClinGen allele CA1474915.

ClinVar aggregate classification (germline): Uncertain significance. Review status: criteria provided, multiple submitters, no conflicts (2 of 4 stars). 4 submissions from 4 submitters: Uncertain significance (4). Last evaluated 2025-06-05.

Conditions:
Catecholaminergic polymorphic ventricular tachycardia 1. Also called: VENTRICULAR TACHYCARDIA, CATECHOLAMINERGIC POLYMORPHIC, 1, WITH OR WITHOUT ATRIAL DYSFUNCTION AND/OR DILATED CARDIOMYOPATHY; VENTRICULAR TACHYCARDIA, STRESS-INDUCED POLYMORPHIC 1; RYR2-Related Catecholaminergic Polymorphic Ventricular Tachycardia. Identifiers: Orphanet 3286, MedGen C1631597, MONDO:0011484, OMIM 604772.
Catecholaminergic polymorphic ventricular tachycardia (CVPT). Also called: Catecholamine-induced polymorphic ventricular tachycardia. Identifiers: Orphanet 3286, MedGen C5574922, MONDO:0017990.
Cardiomyopathy (CMYO). Also called: Cardiomyopathies. Identifiers: Orphanet 167848, MedGen C0878544, MONDO:0004994, HP:0001638. Inheritance: Various modes of inheritance.
Cardiovascular phenotype. Identifiers: MedGen CN230736.

Submissions (4):

Ambry Genetics
Classification: Uncertain significance for Cardiovascular phenotype. Last evaluated: 2025-06-05. Review status: criteria provided, single submitter. Criteria: Ambry Variant Classification Scheme 2023. Collection method: clinical testing. Allele origin: germline.
Comment: The c.942_944delTCT variant (also known as p.L316del), located in coding exon 12 of the RYR2 gene, results from an in-frame TCT deletion at nucleotide positions 942 to 944. This results in the in-frame deletion of a leucine at codon 316. This amino acid position is well conserved in available vertebrate species. In addition, this variant is predicted to be deleterious by in silico analysis (Choi Y et al. PLoS ONE. 2012; 7(10):e46688). Based on the available evidence, the clinical significance of this variant remains unclear.

Color Diagnostics, LLC DBA Color Health
Classification: Uncertain significance for Cardiomyopathy. Last evaluated: 2025-05-27. Review status: criteria provided, single submitter. Criteria: ACMG Guidelines, 2015. Collection method: clinical testing. Allele origin: germline.
Comment: This variant causes the deletion of leucine at codon 316 of the RYR2 protein. To our knowledge, functional studies have not been reported for this variant. This variant has been reported in an individual affected with long QT syndrome (PMID: 29434162). This variant has been identified in 1/248814 chromosomes in the general population by the Genome Aggregation Database (gnomAD). The available evidence is insufficient to determine the role of this variant in disease conclusively. Therefore, this variant is classified as a Variant of Uncertain Significance.

All of Us Research Program, National Institutes of Health
Classification: Uncertain significance for Catecholaminergic polymorphic ventricular tachycardia. Last evaluated: 2023-08-15. Review status: criteria provided, single submitter. Criteria: ACMG Guidelines, 2015. Collection method: clinical testing. Allele origin: germline. Inheritance: Autosomal dominant inheritance. Observed: 3 variant alleles, 3 heterozygotes.
Comment: This variant causes the deletion of leucine at codon 316 of the RYR2 protein. To our knowledge, functional studies have not been reported for this variant. This variant has not been reported in individuals affected with cardiovascular disorders in the literature. This variant has been identified in 1/248814 chromosomes in the general population by the Genome Aggregation Database (gnomAD). The available evidence is insufficient to determine the role of this variant in disease conclusively. Therefore, this variant is classified as a Variant of Uncertain Significance.

This study involves interpretation of variants in research participants for the purpose of population health screening. Participant phenotype was not available at the time of variant classification. Additional details can be found in publication PMID: 35346344, PMCID: PMC8962531

Labcorp Genetics (formerly Invitae), Labcorp
Classification: Uncertain significance for Catecholaminergic polymorphic ventricular tachycardia 1. Last evaluated: 2022-01-02. Review status: criteria provided, single submitter. Criteria: Invitae Variant Classification Sherloc (09022015). Collection method: clinical testing. Allele origin: germline.
Comment: This variant, c.942_944del, results in the deletion of 1 amino acid(s) of the RYR2 protein (p.Leu316del), but otherwise preserves the integrity of the reading frame. This variant is present in population databases (rs749937926, gnomAD 0.0009%). This variant has been observed in individual(s) with long QT syndrome (PMID: 29434162). This variant is also known as 940-942delCTT (314del). ClinVar contains an entry for this variant (Variation ID: 927414). Experimental studies and prediction algorithms are not available or were not evaluated, and the functional significance of this variant is currently unknown. In summary, the available evidence is currently insufficient to determine the role of this variant in disease. Therefore, it has been classified as a Variant of Uncertain Significance.

Literature cited by the submitters: PubMed 29434162 (cited by 3 submitters).